The following is an entry in ClinVar:

ClinVar aggregate classification (germline): Uncertain significance (1 of 4 stars; one submission).

Conditions:
Cernunnos-XLF deficiency (IMD124). Also called: SCID, AUTOSOMAL RECESSIVE, T CELL-NEGATIVE, B CELL-NEGATIVE, NK CELL-POSITIVE, WITH MICROCEPHALY, GROWTH RETARDATION, AND SENSITIVITY TO IONIZING RADIATION; IMMUNODEFICIENCY 124, SEVERE COMBINED; NHEJ1 SYNDROME; Severe combined immunodeficiency with sensitivity to ionizing radiation due to NHEJ1 deficiency; SCID, autosomal recessive, T cell-negative, B cell-negative, NK cell-positive, and sensitivity to ionizing radiation due to NHEJ1 deficiency. Identifiers: Orphanet 169079, MedGen C1969799, MONDO:0012650, OMIM 611291.

Submission:

Labcorp Genetics (formerly Invitae), Labcorp
Classification: Uncertain significance for Cernunnos-XLF deficiency. Last evaluated: 2022-02-08. Review status: criteria provided, single submitter. Criteria: Invitae Variant Classification Sherloc (09022015). Collection method: clinical testing. Allele origin: germline.
Comment: This variant is not present in population databases (gnomAD no frequency). This sequence change replaces glutamine, which is neutral and polar, with histidine, which is basic and polar, at codon 259 of the NHEJ1 protein (p.Gln259His). In summary, the available evidence is currently insufficient to determine the role of this variant in disease. Therefore, it has been classified as a Variant of Uncertain Significance. Algorithms developed to predict the effect of missense changes on protein structure and function are either unavailable or do not agree on the potential impact of this missense change (SIFT: "Deleterious"; PolyPhen-2: "Benign"; Align-GVGD: "Class C0"). This variant has not been reported in the literature in individuals affected with NHEJ1-related conditions.

NM_024782.3(NHEJ1):c.777A>T (p.Gln259His)

Genes: NHEJ1 (non-homologous end joining factor 1; minus strand), LOC126806516 (BRD4-independent group 4 enhancer GRCh37_chr2:219941606-219942805; plus strand). Cytogenetic location: 2q35.
Variant type: single nucleotide variant.
Coding change: c.777A>T on transcript NM_024782.3 (MANE Select); coding-DNA position 777, A replaced by T.
Protein change: p.Gln259His; replaces glutamine 259 with histidine.
Molecular consequence: missense variant. On other transcripts: non-coding transcript variant (1).
Genome position (GRCh38, 1-based): chr2:219,077,294, T>A on the plus strand (A>T on the coding strand, the complement: NHEJ1 is on the minus strand). VCF-style: chr2-219077294-T-A. GRCh37 (hg19) VCF-style: chr2-219942016-T-A.
Other names: c.777A>T, p.Gln259His (NM_001377498.1); c.792A>T, p.Gln264His (NM_001377499.1); short protein forms Q259H, Q264H.
Identifiers: ClinVar variation 2094965 (VCV002094965.4), dbSNP rs2469543517, ClinGen allele CA350642250.